The following is an entry in ClinVar:

ClinVar aggregate classification (germline): Likely benign (0 of 4 stars; one submission).

Conditions:
PLEKHA5-related disorder. Also called: PLEKHA5-related condition.

Allele frequency attached by ClinVar (database versions not stated): TOPMed 0.00042; gnomAD exomes 0.00004; 1000 Genomes Project 0.00040; 1000 Genomes Project 30x 0.00047; ExAC 0.00009; ESP Exome Variant Server 0.00031; gnomAD 0.00036.
gnomAD v4.1: 122 of 1,613,978 alleles (0.0076%); highest among the groups gnomAD compares: African/African-American, 0.13%; no homozygotes.

Submission:

PreventionGenetics, part of Exact Sciences
Classification: Likely benign for PLEKHA5-related condition. Last evaluated: 2019-03-26. Review status: no assertion criteria provided. Collection method: clinical testing. Allele origin: germline.
Comment: This variant is classified as likely benign based on ACMG/AMP sequence variant interpretation guidelines (Richards et al. 2015 PMID: 25741868, with internal and published modifications).

NM_001256470.2(PLEKHA5):c.1476C>T (p.Pro492=)

Gene: PLEKHA5 (pleckstrin homology domain containing A5; plus strand). Cytogenetic location: 12p12.3.
Variant type: single nucleotide variant.
Coding change: c.1476C>T on transcript NM_001256470.2 (MANE Select); coding-DNA position 1476, C replaced by T.
Protein change: p.Pro492=; no amino-acid change (proline 492 retained).
Molecular consequence: synonymous variant. On other transcripts: non-coding transcript variant (6).
Genome position (GRCh38, 1-based): chr12:19,283,442, C>T. VCF-style: chr12-19283442-C-T. GRCh37 (hg19) VCF-style: chr12-19436376-C-T.
Other names: c.1134C>T, p.Pro378= (NM_001385959.1, NM_001385960.1, NM_001385961.1 and 25 more transcripts); c.1029C>T, p.Pro343= (NM_001385963.1); c.987C>T, p.Pro329= (NM_001385965.1); c.1458C>T, p.Pro486= (NM_001143821.3, NM_001385923.1, NM_001385925.1 and 11 more transcripts); c.1476C>T, p.Pro492= (NM_001385924.1, NM_001385926.1, NM_001385927.1 and 4 more transcripts); c.1152C>T, p.Pro384= (NM_001385933.1, NM_001385939.1, NM_001385942.1).
Identifiers: ClinVar variation 3047277 (VCV003047277.2), dbSNP rs139589208, ClinGen allele CA6472286.